The following is an entry in ClinVar:

NM_003620.4(PPM1D):c.1223TGA[1] (p.Met409del)

Gene: PPM1D (protein phosphatase, Mg2+/Mn2+ dependent 1D; plus strand). Cytogenetic location: 17q23.2.
Variant type: Microsatellite.
Coding change: c.1223TGA[1] on transcript NM_003620.4 (MANE Select); one copy of the 3-base unit TGA starting at c.1223; the reference has two copies in a row; one copy, 3 bases deleted.
Protein change: p.Met409del; deletes methionine 409.
Genome position (GRCh38, 1-based): chr17:60,656,807-60,656,809, TGA deleted; deleting any 3 consecutive bases within chr17:60,656,804-60,656,809 gives the same sequence; the position shown is the placement nearest the transcript's 3' end. VCF-style (leftmost placement, unchanged base first): chr17-60656803-GTGA-G. GRCh37 (hg19) VCF-style: chr17-58734164-GTGA-G.
Other names: short protein forms M409del.
Identifiers: ClinVar variation 4812014 (VCV004812014.1).

ClinVar aggregate classification (germline): Uncertain significance (1 of 4 stars; one submission).

Submission:

Labcorp Genetics (formerly Invitae), Labcorp
Classification: Uncertain significance. Last evaluated: 2025-05-22. Review status: criteria provided, single submitter. Criteria: Invitae Variant Classification Sherloc (09022015). Collection method: clinical testing. Allele origin: germline.
Comment: This variant, c.1226_1228del, results in the deletion of 1 amino acid(s) of the PPM1D protein (p.Met409del), but otherwise preserves the integrity of the reading frame. This variant is present in population databases (no rsID available, gnomAD 0.0009%). This variant has not been reported in the literature in individuals affected with PPM1D-related conditions. Experimental studies and prediction algorithms are not available or were not evaluated, and the functional significance of this variant is currently unknown. In summary, the available evidence is currently insufficient to determine the role of this variant in disease. Therefore, it has been classified as a Variant of Uncertain Significance.